The following is an entry in ClinVar:

ClinVar aggregate classification (germline): Uncertain significance. Review status: criteria provided, multiple submitters, no conflicts (2 of 4 stars). 2 submissions from 2 submitters: Uncertain significance (2). Last evaluated 2026-04-07.

Conditions:
Distal hereditary motor neuropathy type 2. Identifiers: Orphanet 139525, MedGen C3711384, MeSH C580044, MONDO:0015352.

Allele frequency attached by ClinVar (database versions not stated): gnomAD exomes below 0.00001; TOPMed 0.00001.
gnomAD v4.1: 5 of 1,613,186 alleles (0.00031%); highest among the groups gnomAD compares: Non-Finnish European, 0.00034%; no homozygotes.

Submissions (2):

GeneDx
Classification: Uncertain significance. Last evaluated: 2026-04-07. Review status: criteria provided, single submitter. Criteria: GeneDx Variant Classification Process June 2021. Collection method: clinical testing. Allele origin: germline.
Comment: Not observed at significant frequency in large population cohorts (gnomAD); In silico analysis supports that this missense variant has a deleterious effect on protein structure/function; Has not been previously published as pathogenic or benign to our knowledge

Labcorp Genetics (formerly Invitae), Labcorp
Classification: Uncertain significance for Distal hereditary motor neuropathy type 2. Last evaluated: 2023-10-04. Review status: criteria provided, single submitter. Criteria: Invitae Variant Classification Sherloc (09022015). Collection method: clinical testing. Allele origin: germline.
Comment: This sequence change replaces aspartic acid, which is acidic and polar, with asparagine, which is neutral and polar, at codon 1048 of the FBXO38 protein (p.Asp1048Asn). This variant is not present in population databases (gnomAD no frequency). This variant has not been reported in the literature in individuals affected with FBXO38-related conditions. An algorithm developed to predict the effect of missense changes on protein structure and function (PolyPhen-2) suggests that this variant is likely to be disruptive. In summary, the available evidence is currently insufficient to determine the role of this variant in disease. Therefore, it has been classified as a Variant of Uncertain Significance.

NM_205836.3(FBXO38):c.3367G>A (p.Asp1123Asn)

Gene: FBXO38 (F-box protein 38; plus strand). Cytogenetic location: 5q32.
Variant type: single nucleotide variant.
Coding change: c.3367G>A on transcript NM_205836.3 (MANE Select); coding-DNA position 3367, G replaced by A.
Protein change: p.Asp1123Asn; replaces aspartic acid 1123 with asparagine.
Molecular consequence: missense variant.
Genome position (GRCh38, 1-based): chr5:148,441,216, G>A. VCF-style: chr5-148441216-G-A. GRCh37 (hg19) VCF-style: chr5-147820779-G-A.
Other names: c.2632G>A, p.Asp878Asn (NM_001271723.2); c.3142G>A, p.Asp1048Asn (NM_030793.5); c.3142G>A (NM_030793.4); short protein forms D1048N, D1123N, D878N.
Identifiers: ClinVar variation 2886222 (VCV002886222.4), dbSNP rs1399643647, ClinGen allele CA361661452.